The following is an entry in ClinVar:

ClinVar aggregate classification (germline): Uncertain significance (1 of 4 stars; one submission).

Conditions:
Werner syndrome (WRN). Identifiers: Orphanet 902, MedGen C0043119, MONDO:0010196, OMIM 277700.

Allele frequency attached by ClinVar (database versions not stated): ExAC 0.00001; gnomAD 0.00001.
gnomAD v4.1: 6 of 1,613,758 alleles (0.00037%); highest among the groups gnomAD compares: African/African-American, 0.0027%; 1 homozygote.

Submission:

Labcorp Genetics (formerly Invitae), Labcorp
Classification: Uncertain significance for Werner syndrome. Last evaluated: 2024-04-15. Review status: criteria provided, single submitter. Criteria: Invitae Variant Classification Sherloc (09022015). Collection method: clinical testing. Allele origin: germline.
Comment: This sequence change replaces proline, which is neutral and non-polar, with leucine, which is neutral and non-polar, at codon 349 of the WRN protein (p.Pro349Leu). This variant is present in population databases (rs765667470, gnomAD 0.007%). This variant has not been reported in the literature in individuals affected with WRN-related conditions. ClinVar contains an entry for this variant (Variation ID: 583403). An algorithm developed to predict the effect of missense changes on protein structure and function (PolyPhen-2) suggests that this variant is likely to be tolerated. In summary, the available evidence is currently insufficient to determine the role of this variant in disease. Therefore, it has been classified as a Variant of Uncertain Significance.

NM_000553.6(WRN):c.1046C>T (p.Pro349Leu)

Gene: WRN (WRN RecQ like helicase; plus strand). Cytogenetic location: 8p12.
Variant type: single nucleotide variant.
Coding change: c.1046C>T on transcript NM_000553.6 (MANE Select); coding-DNA position 1046, C replaced by T.
Protein change: p.Pro349Leu; replaces proline 349 with leucine.
Molecular consequence: missense variant.
Genome position (GRCh38, 1-based): chr8:31,081,073, C>T. VCF-style: chr8-31081073-C-T. GRCh37 (hg19) VCF-style: chr8-30938589-C-T.
Other names: short protein forms P349L.
Identifiers: ClinVar variation 583403 (VCV000583403.7), dbSNP rs765667470, ClinGen allele CA4704243.